The following is an entry in ClinVar:

ClinVar aggregate classification (germline): Uncertain significance (1 of 4 stars; one submission).

Submission:

Labcorp Genetics (formerly Invitae), Labcorp
Classification: Uncertain significance. Last evaluated: 2022-01-13. Review status: criteria provided, single submitter. Criteria: Invitae Variant Classification Sherloc (09022015). Collection method: clinical testing. Allele origin: germline.
Comment: In summary, the available evidence is currently insufficient to determine the role of this variant in disease. Therefore, it has been classified as a Variant of Uncertain Significance. Algorithms developed to predict the effect of missense changes on protein structure and function are either unavailable or do not agree on the potential impact of this missense change (SIFT: "Deleterious"; PolyPhen-2: "Probably Damaging"; Align-GVGD: "Class C0"). This variant has not been reported in the literature in individuals affected with ROM1-related conditions. This variant is not present in population databases (gnomAD no frequency). This sequence change replaces asparagine, which is neutral and polar, with aspartic acid, which is acidic and polar, at codon 202 of the ROM1 protein (p.Asn202Asp).

NM_000327.4(ROM1):c.604A>G (p.Asn202Asp)

Gene: ROM1 (retinal outer segment membrane protein 1; plus strand). Cytogenetic location: 11q12.3.
Variant type: single nucleotide variant.
Coding change: c.604A>G on transcript NM_000327.4 (MANE Select); coding-DNA position 604, A replaced by G.
Protein change: p.Asn202Asp; replaces asparagine 202 with aspartic acid.
Molecular consequence: missense variant.
Genome position (GRCh38, 1-based): chr11:62,614,271, A>G. VCF-style: chr11-62614271-A-G. GRCh37 (hg19) VCF-style: chr11-62381743-A-G.
Other names: short protein forms N202D.
Identifiers: ClinVar variation 1356080 (VCV001356080.6), dbSNP rs2134423205, ClinGen allele CA380971412.